The following is an entry in ClinVar:

ClinVar aggregate classification (germline): Uncertain significance. Review status: criteria provided, multiple submitters, no conflicts (2 of 4 stars). 2 submissions from 2 submitters: Uncertain significance (2). Last evaluated 2025-03-04.

Conditions:
Familial adenomatous polyposis 1 (FAP1). Also called: POLYPOSIS, ADENOMATOUS INTESTINAL; FAMILIAL ADENOMATOUS POLYPOSIS 1, ATTENUATED. Identifiers: MedGen C2713442, MONDO:0021056, OMIM 175100. Disease mechanism: loss of function.

Submissions (2):

Center for Genomic Medicine, Rigshospitalet, Copenhagen University Hospital
Classification: Uncertain significance. Last evaluated: 2025-03-04. Review status: criteria provided, single submitter. Criteria: ACMG Guidelines, 2015. Collection method: clinical testing. Allele origin: germline.

Labcorp Genetics (formerly Invitae), Labcorp
Classification: Uncertain significance for Familial adenomatous polyposis 1. Last evaluated: 2022-06-01. Review status: criteria provided, single submitter. Criteria: Invitae Variant Classification Sherloc (09022015). Collection method: clinical testing. Allele origin: germline.
Comment: This variant occurs in a non-coding region of the APC gene. It does not change the encoded amino acid sequence of the APC protein. This variant is not present in population databases (gnomAD no frequency). This variant has not been reported in the literature in individuals affected with APC-related conditions. Experimental studies and prediction algorithms are not available or were not evaluated, and the functional significance of this variant is currently unknown. In summary, the available evidence is currently insufficient to determine the role of this variant in disease. Therefore, it has been classified as a Variant of Uncertain Significance.

NM_001127511.3(APC):c.91A>G (p.Arg31Gly)

Gene: APC (APC regulator of Wnt signaling pathway; plus strand). Cytogenetic location: 5q22.2.
Variant type: single nucleotide variant.
Coding change: c.91A>G on transcript NM_001127511.3; coding-DNA position 91, A replaced by G.
Protein change: p.Arg31Gly; replaces arginine 31 with glycine.
Molecular consequence: missense variant. On other transcripts: 5 prime UTR variant (8), non-coding transcript variant (1), intron variant (5).
Genome position (GRCh38, 1-based): chr5:112,707,808, A>G. VCF-style: chr5-112707808-A-G. GRCh37 (hg19) VCF-style: chr5-112043505-A-G.
Other names: c.-93A>G (NM_001354895.2, NM_001407447.1, NM_001407452.1 and 3 more transcripts); c.91A>G, p.Arg31Gly (NM_001354897.2, NM_001354902.2, NM_001407446.1); c.-1128A>G (NM_001407470.1, NM_001407472.1); c.-19+159A>G (NM_001407448.1, NM_001407450.1, NM_001407457.1 and 1 more transcripts); c.-43+159A>G (NM_001407453.1); short protein forms R31G.
Identifiers: ClinVar variation 1697511 (VCV001697511.11), dbSNP rs1302045127, ClinGen allele CA360611938.
Genomic context (GRCh38, chr5:112,707,808, plus strand): 5'-GCCCCTTTGCCCGCTTCTGTACCACCCTCAGTTCTCGGGTCCTGGAGCACCGGCGGCAGC[A>G]GGAGCTGCGTCCGGCAGGAGACGAAGAGCCCGGGCGGCGCTCGTACTTCTGGCCACTGGG-3'